The following is an entry in ClinVar:

ClinVar aggregate classification (germline): Pathogenic (1 of 4 stars; one submission).

Conditions:
Hereditary breast ovarian cancer syndrome. Also called: BRCA1- and BRCA2-Associated Hereditary Breast and Ovarian Cancer; Breast and ovarian cancer; Hereditary breast and ovarian cancer syndrome; Hereditary breast and ovarian cancer syndrome (HBOC); Hereditary breast and/or ovarian cancer syndrome; Hereditary breast and ovarian cancer. Identifiers: Orphanet 145, MedGen C0677776, MeSH D061325, MONDO:0003582. Disease mechanism: loss of function.

Submission:

Labcorp Genetics (formerly Invitae), Labcorp
Classification: Pathogenic for Hereditary breast ovarian cancer syndrome. Last evaluated: 2025-02-27. Review status: criteria provided, single submitter. Criteria: Invitae Variant Classification Sherloc (09022015). Collection method: clinical testing. Allele origin: germline.
Comment: This sequence change creates a premature translational stop signal (p.Lys1472*) in the BRCA2 gene. It is expected to result in an absent or disrupted protein product. Loss-of-function variants in BRCA2 are known to be pathogenic (PMID: 20104584). This variant is not present in population databases (gnomAD no frequency). This variant has not been reported in the literature in individuals affected with BRCA2-related conditions. For these reasons, this variant has been classified as Pathogenic.

Literature cited by the submitters: PubMed 20104584.

NM_000059.4(BRCA2):c.4414A>T (p.Lys1472Ter)

Gene: BRCA2 (BRCA2 DNA repair associated; plus strand). Cytogenetic location: 13q13.1.
Variant type: single nucleotide variant.
Coding change: c.4414A>T on transcript NM_000059.4 (MANE Select); coding-DNA position 4414, A replaced by T.
Protein change: p.Lys1472Ter; replaces lysine 1472 with a stop codon.
Molecular consequence: nonsense. On other transcripts: non-coding transcript variant (1), intron variant (2).
Genome position (GRCh38, 1-based): chr13:32,338,769, A>T. VCF-style: chr13-32338769-A-T. GRCh37 (hg19) VCF-style: chr13-32912906-A-T.
Other names: c.4414A>T, p.Lys1472Ter (NM_001406719.1, NM_001406720.1, NM_001432077.1); c.1909+5382A>T (NM_001406721.1); c.425-5789A>T (NM_001406722.1); short protein forms K1472*.
Identifiers: ClinVar variation 4714018 (VCV004714018.1).